The following is an entry in ClinVar:

ClinVar aggregate classification (germline): Likely pathogenic (1 of 4 stars; one submission).

Conditions:
Inborn genetic diseases. Identifiers: MedGen C0950123, MeSH D030342.

Submission:

Ambry Genetics
Classification: Likely pathogenic for Inborn genetic diseases. Last evaluated: 2025-10-01. Review status: criteria provided, single submitter. Criteria: Ambry Variant Classification Scheme 2023. Collection method: clinical testing. Allele origin: germline.
Comment: The c.356-2A>G intronic variant results from an A to G substitution two nucleotides before coding exon 4 of the EBF3 gene. Alterations that disrupt the canonical splice site are expected to cause aberrant splicing, resulting in an abnormal protein or a transcript that is subject to nonsense-mediated mRNA decay. This variant was not reported in population-based cohorts in the Genome Aggregation Database (gnomAD). This nucleotide position is highly conserved in available vertebrate species. In silico splice site analysis predicts that this alteration will weaken the native splice acceptor site and may result in the creation or strengthening of a novel splice acceptor site. Based on the available evidence, this alteration is classified as likely pathogenic.

NM_001375380.1(EBF3):c.356-2A>G

Gene: EBF3 (EBF transcription factor 3; minus strand). Cytogenetic location: 10q26.3.
Variant type: single nucleotide variant.
Coding change: c.356-2A>G on transcript NM_001375380.1 (MANE Select); the canonical splice acceptor site of the intron before coding-DNA position 356, A replaced by G.
Molecular consequence: splice acceptor variant.
Genome position (GRCh38, 1-based): chr10:129,962,228, T>C on the plus strand (A>G on the coding strand, the complement: EBF3 is on the minus strand). VCF-style: chr10-129962228-T-C. GRCh37 (hg19) VCF-style: chr10-131760492-T-C.
Other names: c.356-2A>G (NM_001375392.1, NM_001005463.3, NM_001375390.1 and 3 more transcripts).
Identifiers: ClinVar variation 4618214 (VCV004618214.1).